The following is an entry in ClinVar:

ClinVar aggregate classification (germline): Uncertain significance (1 of 4 stars; one submission).

Allele frequency attached by ClinVar (database versions not stated): gnomAD exomes 0.00001.
gnomAD v4.1: 11 of 1,601,618 alleles (0.00069%); highest among the groups gnomAD compares: South Asian, 0.0011%; no homozygotes.

Submission:

Labcorp Genetics (formerly Invitae), Labcorp
Classification: Uncertain significance. Last evaluated: 2025-10-01. Review status: criteria provided, single submitter. Criteria: Invitae Variant Classification Sherloc (09022015). Collection method: clinical testing. Allele origin: germline.
Comment: This sequence change falls in intron 30 of the KMT2B gene. It does not directly change the encoded amino acid sequence of the KMT2B protein. It affects a nucleotide within the consensus splice site. This variant is not present in population databases (gnomAD no frequency). This variant has not been reported in the literature in individuals affected with KMT2B-related conditions. ClinVar contains an entry for this variant (Variation ID: 2994425). Variants that disrupt the consensus splice site are a relatively common cause of aberrant splicing (PMID: 17576681, 9536098). Algorithms developed to predict the effect of sequence changes on RNA splicing suggest that this variant is not likely to affect RNA splicing. In summary, the available evidence is currently insufficient to determine the role of this variant in disease. Therefore, it has been classified as a Variant of Uncertain Significance.

Literature cited by the submitters: PubMed 17576681; PubMed 9536098.

NM_014727.3(KMT2B):c.7159+6G>T

Gene: KMT2B (lysine methyltransferase 2B; plus strand). Cytogenetic location: 19q13.12.
Variant type: single nucleotide variant.
Coding change: c.7159+6G>T on transcript NM_014727.3 (MANE Select); 6 bases into the intron after coding-DNA position 7159, G replaced by T.
Molecular consequence: intron variant.
Genome position (GRCh38, 1-based): chr19:35,733,878, G>T. VCF-style: chr19-35733878-G-T. GRCh37 (hg19) VCF-style: chr19-36224779-G-T.
Identifiers: ClinVar variation 2994425 (VCV002994425.3), dbSNP rs1219479394, ClinGen allele CA2333795086.